The following is an entry in ClinVar:

NM_014874.4(MFN2):c.*231G>A

Gene: MFN2 (mitofusin 2; plus strand). Cytogenetic location: 1p36.22.
Variant type: single nucleotide variant.
Coding change: c.*231G>A on transcript NM_014874.4 (MANE Select); 231 bases downstream of the stop codon, G replaced by A.
Molecular consequence: 3 prime UTR variant.
Genome position (GRCh38, 1-based): chr1:12,011,796, G>A. VCF-style: chr1-12011796-G-A. GRCh37 (hg19) VCF-style: chr1-12071853-G-A.
Other names: c.*231G>A (NM_001127660.2).
Identifiers: ClinVar variation 292384 (VCV000292384.6), dbSNP rs41278636, ClinGen allele CA10607976.

ClinVar aggregate classification (germline): Benign. Review status: criteria provided, multiple submitters, no conflicts (2 of 4 stars). 3 submissions from 2 submitters: Benign (3). Last evaluated 2018-01-13.

Conditions:
Charcot-Marie-Tooth disease type 2. Also called: Charcot-Marie-Tooth type 2. Identifiers: Orphanet 64746, MedGen C0270914, MONDO:0018993.
Hereditary motor and sensory neuropathy with optic atrophy. Also called: PERIPHERAL NEUROPATHY AND OPTIC ATROPHY; CHARCOT-MARIE-TOOTH DISEASE, TYPE 6. Identifiers: Orphanet 90120, MedGen C0393807, MONDO:0019551.

Allele frequency attached by ClinVar (database versions not stated): 1000 Genomes Project 30x 0.01468; gnomAD 0.01666 and 0.01578; TOPMed 0.01684; gnomAD exomes 0.00900; 1000 Genomes Project 0.01278.
gnomAD v4.1: 6,426 of 597,344 alleles (1.1%); highest among the groups gnomAD compares: African/African-American, 3.7%; 71 homozygotes.

Submissions (3):

Illumina Laboratory Services, Illumina
Classification: Benign for Neuropathy, hereditary motor and sensory, type 6A. Last evaluated: 2018-01-13. Review status: criteria provided, single submitter. Criteria: ICSL Variant Classification Criteria 13 December 2019. Collection method: clinical testing. Allele origin: germline.
Comment: This variant was observed in the ICSL laboratory as part of a predisposition screen in an ostensibly healthy population. It had not been previously curated by ICSL or reported in the Human Gene Mutation Database (HGMD: prior to June 1st, 2018), and was therefore a candidate for classification through an automated scoring system. Utilizing variant allele frequency, disease prevalence and penetrance estimates, and inheritance mode, an automated score was calculated to assess if this variant is too frequent to cause the disease. Based on the score and internal cut-off values, a variant classified as benign is not then subjected to further curation. The score for this variant resulted in a classification of benign for this disease.

Illumina Laboratory Services, Illumina
Classification: Benign for Charcot-Marie-Tooth disease, type 2. Last evaluated: 2018-01-13. Review status: criteria provided, single submitter. Criteria: ICSL Variant Classification Criteria 13 December 2019. Collection method: clinical testing. Allele origin: germline.
Comment: the same text as in the submission from Illumina Laboratory Services, Illumina above.

Breakthrough Genomics
Classification: Benign. Review status: criteria provided, single submitter. Criteria: ACMG Guidelines, 2015. Collection method: not provided. Allele origin: germline. Inheritance: Autosomal recessive inheritance. Affected: yes.